The following is an entry in ClinVar:

ClinVar aggregate classification (germline): Uncertain significance (1 of 4 stars; one submission).

Conditions:
Hereditary pancreatitis (PCTT). Also called: Hereditary chronic pancreatitis; PRSS1-Related Hereditary Pancreatitis. Identifiers: Orphanet 676, MedGen C0238339, MONDO:0008185, OMIM 167800.

Submission:

Ambry Genetics
Classification: Uncertain significance for Hereditary pancreatitis. Last evaluated: 2019-01-05. Review status: criteria provided, single submitter. Criteria: Ambry Variant Classification Scheme 2023. Collection method: clinical testing. Allele origin: germline.
Comment: The p.L124R variant (also known as c.371T>G), located in coding exon 5 of the CTRC gene, results from a T to G substitution at nucleotide position 371. The leucine at codon 124 is replaced by arginine, an amino acid with dissimilar properties. This amino acid position is not well conserved in available vertebrate species. In addition, this alteration is predicted to be deleterious by in silico analysis. Since supporting evidence is limited at this time, the clinical significance of this alteration remains unclear.

NM_007272.3(CTRC):c.371T>G (p.Leu124Arg)

Gene: CTRC (chymotrypsin C; plus strand). Cytogenetic location: 1p36.21.
Variant type: single nucleotide variant.
Coding change: c.371T>G on transcript NM_007272.3 (MANE Select); coding-DNA position 371, T replaced by G.
Protein change: p.Leu124Arg; replaces leucine 124 with arginine.
Molecular consequence: missense variant.
Genome position (GRCh38, 1-based): chr1:15,443,433, T>G. VCF-style: chr1-15443433-T-G. GRCh37 (hg19) VCF-style: chr1-15769928-T-G.
Other names: short protein forms L124R.
Identifiers: ClinVar variation 1734286 (VCV001734286.2), dbSNP rs1428164721, ClinGen allele CA338565925.